The following is an entry in ClinVar:

NM_000368.5(TSC1):c.163C>T (p.Gln55Ter)

Gene: TSC1 (TSC complex subunit 1; minus strand). Cytogenetic location: 9q34.13.
Variant type: single nucleotide variant.
Coding change: c.163C>T on transcript NM_000368.5 (MANE Select); coding-DNA position 163, C replaced by T.
Protein change: p.Gln55Ter; replaces glutamine 55 with a stop codon.
Molecular consequence: nonsense. On other transcripts: intron variant (1).
Genome position (GRCh38, 1-based): chr9:132,927,248, G>A on the plus strand (C>T on the coding strand, the complement: TSC1 is on the minus strand). VCF-style: chr9-132927248-G-A. GRCh37 (hg19) VCF-style: chr9-135802635-G-A.
Other names: c.163C>T, p.Gln55Ter (NM_001162426.2, NM_001162427.2); c.-153-1509C>T (NM_001362177.2); short protein forms Q55*.
Identifiers: ClinVar variation 48808 (VCV000048808.9), dbSNP rs118203343, ClinGen allele CA005119.
Genomic context (GRCh38, chr9:132,927,248, plus strand): 5'-TTTCAGCCATTACCTTGTCATGTGGCTCTTGCAAGGTGGTCAGGATGTGCAATGCCGGCT[G>A]AGAGCTGGTTTCCAGGTAATAATCCACCAAGGTGTTTACAAGCATAGGGCCACGGTCTAA-3'

ClinVar aggregate classification (germline): Pathogenic. Review status: criteria provided, multiple submitters, no conflicts (2 of 4 stars). 5 submissions from 4 submitters: Pathogenic (3). 2 of the submissions do not count toward it. Last evaluated 2024-05-30.

Conditions:
Tuberous sclerosis syndrome (TSC). Also called: Tuberous Sclerosis Complex; Tuberous sclerosis. Identifiers: Orphanet 805, MedGen C0041341, MONDO:0001734.
Malignant tumor of urinary bladder. Also called: Bladder cancer; Urinary bladder cancer; Urinary Bladder Neoplasms. Identifiers: MedGen C0005684, MONDO:0001187, OMIM 109800.
Tuberous sclerosis 1 (TSC1). Identifiers: Orphanet 805, MedGen C1854465, MONDO:0008612, OMIM 191100.

Submissions (5):

GeneDx
Classification: Pathogenic. Last evaluated: 2024-05-30. Review status: criteria provided, single submitter. Criteria: GeneDx Variant Classification Process June 2021. Collection method: clinical testing. Allele origin: germline. Affected: yes.
Comment: Nonsense variant predicted to result in protein truncation or nonsense mediated decay in a gene for which loss of function is a known mechanism of disease; Not observed at significant frequency in large population cohorts (gnomAD); Has not been previously published as pathogenic or benign to our knowledge; This variant is associated with the following publications: (PMID: 21309039)

Labcorp Genetics (formerly Invitae), Labcorp
Classification: Pathogenic for Tuberous sclerosis 1. Last evaluated: 2023-02-27. Review status: criteria provided, single submitter. Criteria: Invitae Variant Classification Sherloc (09022015). Collection method: clinical testing. Allele origin: germline.
Comment: For these reasons, this variant has been classified as Pathogenic. ClinVar contains an entry for this variant (Variation ID: 48808). This variant has not been reported in the literature in individuals affected with TSC1-related conditions. This variant is not present in population databases (gnomAD no frequency). This sequence change creates a premature translational stop signal (p.Gln55*) in the TSC1 gene. It is expected to result in an absent or disrupted protein product. Loss-of-function variants in TSC1 are known to be pathogenic (PMID: 10227394, 17304050).

Oasi Research Institute-IRCCS
Classification: Pathogenic for Tuberous sclerosis 1. Review status: criteria provided, single submitter. Criteria: ACMG Guidelines, 2015. Collection method: research. Allele origin: de novo. Affected: yes.
Comment: This variant creates a premature translational stop signal. It is expected to result in a protein truncation or nonsense mediated decay. Several tools classified the variant as pathogenic: BayesDel addAF, BayesDel noAF, EIGEN, FATHMM-XF, MutationTaster. ACMG criteria: PVS1 (LOF), PP4 (phenotype match), PM2 (absent from controls), PP3 (in silico evidence), PS2 (de novo)= Pathogenic. Based on the evidence outlined above, the variant was classified as Pathogenic.

Tuberous sclerosis database (TSC1)
No classification provided. Condition: TSC. Review status: no classification provided. Criteria: Tuberous Sclerosis Database Assertion Criteria 2015. Collection method: curation. Allele origin: germline. Affected: yes. Not counted in ClinVar's aggregate classification.

Tuberous sclerosis database (TSC1)
No classification provided. Condition: Bladder cancer. Review status: no classification provided. Criteria: Tuberous Sclerosis Database Assertion Criteria 2015. Collection method: curation. Allele origin: germline. Affected: yes. Not counted in ClinVar's aggregate classification.

Literature cited by the submitters: PubMed 10227394 (cited by Labcorp Genetics (formerly Invitae), Labcorp); PubMed 17304050 (cited by Labcorp Genetics (formerly Invitae), Labcorp).